The following is an entry in ClinVar:

NM_175607.3(CNTN4):c.2512-8C>T

Genes: CNTN4 (contactin 4; plus strand), CNTN4-AS1 (CNTN4 antisense RNA 1; minus strand). Cytogenetic location: 3p26.2.
Variant type: single nucleotide variant.
Coding change: c.2512-8C>T on transcript NM_175607.3 (MANE Select); 8 bases into the intron before coding-DNA position 2512, C replaced by T.
Molecular consequence: intron variant. On other transcripts: non-coding transcript variant (1).
Genome position (GRCh38, 1-based): chr3:3,042,969, C>T. VCF-style: chr3-3042969-C-T. GRCh37 (hg19) VCF-style: chr3-3084653-C-T.
Other names: c.2512-8C>T (NM_001350095.2, NM_001206955.2, NM_175607.2); c.1528-8C>T (NM_175613.3); c.1525-8C>T (NM_001206956.2).
Identifiers: ClinVar variation 1242402 (VCV001242402.5), dbSNP rs6800354, ClinGen allele CA2227761.

ClinVar aggregate classification (germline): Benign. Review status: criteria provided, multiple submitters, no conflicts (2 of 4 stars). 3 submissions from 3 submitters: Benign (2). 1 of the submissions does not count toward it. Last evaluated 2018-11-10.

Conditions:
CNTN4-related disorder. Also called: CNTN4-related condition.

Allele frequency attached by ClinVar (database versions not stated): gnomAD exomes 0.21643 and 0.23078; 1000 Genomes Project 0.22145; 1000 Genomes Project 30x 0.22252; ExAC 0.22453; gnomAD 0.25146 and 0.25741; TOPMed 0.25925; ESP Exome Variant Server 0.27695.
gnomAD v4.1: 375,062 of 1,609,488 alleles (23%); highest among the groups gnomAD compares: African/African-American, 32%; 44,952 homozygotes.

Submissions (3):

GeneDx
Classification: Benign. Last evaluated: 2018-11-10. Review status: criteria provided, single submitter. Criteria: GeneDx Variant Classification Process June 2021. Collection method: clinical testing. Allele origin: germline. Affected: yes.

Breakthrough Genomics
Classification: Benign. Review status: criteria provided, single submitter. Criteria: ACMG Guidelines, 2015. Collection method: not provided. Allele origin: germline. Inheritance: Unknown mechanism. Affected: yes.

PreventionGenetics, part of Exact Sciences
Classification: Benign for CNTN4-related condition. Last evaluated: 2020-06-23. Review status: no assertion criteria provided. Collection method: clinical testing. Allele origin: germline. Not counted in ClinVar's aggregate classification.
Comment: This variant is classified as benign based on ACMG/AMP sequence variant interpretation guidelines (Richards et al. 2015 PMID: 25741868, with internal and published modifications).